The following is an entry in ClinVar:

NM_001040142.2(SCN2A):c.1399G>A (p.Ala467Thr)

Gene: SCN2A (sodium voltage-gated channel alpha subunit 2; plus strand). Cytogenetic location: 2q24.3.
Variant type: single nucleotide variant.
Coding change: c.1399G>A on transcript NM_001040142.2 (MANE Select); coding-DNA position 1399, G replaced by A.
Protein change: p.Ala467Thr; replaces alanine 467 with threonine.
Molecular consequence: missense variant.
Genome position (GRCh38, 1-based): chr2:165,315,486, G>A. VCF-style: chr2-165315486-G-A. GRCh37 (hg19) VCF-style: chr2-166171996-G-A.
Other names: NM_001040142.2(SCN2A):c.1399G>A; p.Ala467Thr; c.1399G>A, p.Ala467Thr (NM_001040143.2, NM_001371246.1, NM_001371247.1 and 1 more transcripts); short protein forms A467T.
Identifiers: ClinVar variation 452471 (VCV000452471.57), dbSNP rs745774658, ClinGen allele CA1939819.
Genomic context (GRCh38, chr2:165,315,486, plus strand): 5'-TTTTTAAGTTTATATGCAACTTCCACATACTTTGCGCCCTTCTAGGCGGCAGCTGCAGCC[G>A]CATCTGCTGAATCAAGAGACTTCAGTGGTGCTGGTGGGATAGGAGTTTTTTCAGAGAGTT-3'
Protein context (NP_001035232.1, residues 457-477): QEEAQAAAAA[Ala467Thr]SAESRDFSGA

ClinVar aggregate classification (germline): Benign. Review status: reviewed by expert panel (3 of 4 stars). 6 submissions from 6 submitters: Benign (1). 5 of the submissions do not count toward it. Last evaluated 2025-06-24.

Conditions:
Complex neurodevelopmental disorder. Identifiers: Orphanet 528084, MedGen C5568766, MONDO:0100038.
Developmental and epileptic encephalopathy, 11 (DEE11). Also called: Early infantile epileptic encephalopathy 11. Identifiers: Orphanet 1934, MedGen C3150987, MONDO:0013388, OMIM 613721.
Seizures, benign familial infantile, 3 (BFIS3). Also called: Familial neonatal seizures; CONVULSIONS, BENIGN FAMILIAL INFANTILE, 3. Identifiers: Orphanet 140927, Orphanet 306, MedGen C1843140, MONDO:0011904, OMIM 607745.

Allele frequency attached by ClinVar (database versions not stated): gnomAD 0.00002 and 0.00004; ExAC 0.00003; TOPMed 0.00004; gnomAD exomes 0.00005.
gnomAD v4.1: 30 of 1,613,726 alleles (0.0019%); highest among the groups gnomAD compares: Middle Eastern, 0.016%; no homozygotes.

Submissions (6):

ClinGen Epilepsy Sodium Channel Variant Curation Expert Panel, Clingen
Classification: Benign for Complex neurodevelopmental disorder. Last evaluated: 2025-06-24. Review status: reviewed by expert panel. Criteria: ClinGen EpilepsySCN ACMG Specifications SCN2A V2.0.0. Collection method: curation. Allele origin: germline. Inheritance: Autosomal dominant inheritance.
Comment: The NM_001040142.2(SCN2A):c.1399G>A variant in SCN2A is a missense variant predicted to cause substitution of Alanine by Threonine at amino acid 467 (p.Ala467Thr). The highest population minor allele frequency in gnomAD 4.1.0 is 0.01501% (9/59978 alleles) in the Admixed American population, which is higher than the ClinGen Epilepsy Sodium Channel VCEP threshold (>0.01%) for BA1, and therefore meets this criterion (BA1). The computational predictor REVEL gives a score of 0.269, (which is below the threshold of 0.290), evidence that does not predict a damaging effect on SCN2A function (BP4). In summary, this variant meets the criteria to be classified as benign for autosomal dominant complex neurodevelopmental disorder based on the ACMG/AMP criteria applied, as specified by the ClinGen Epilepsy Sodium Channel VCEP: BP4, BA1. (Specification Version 2.0.0; 1/7/2025).

Labcorp Genetics (formerly Invitae), Labcorp
Classification: Uncertain significance for Seizures, benign familial infantile, 3; Developmental and epileptic encephalopathy, 11. Last evaluated: 2025-08-22. Review status: criteria provided, single submitter. Criteria: Invitae Variant Classification Sherloc (09022015). Collection method: clinical testing. Allele origin: germline. Not counted in ClinVar's aggregate classification.
Comment: This sequence change replaces alanine, which is neutral and non-polar, with threonine, which is neutral and polar, at codon 467 of the SCN2A protein (p.Ala467Thr). This variant is present in population databases (rs745774658, gnomAD 0.02%). This missense change has been observed in individuals with clinical features of SCN2A-related conditions (PMID: 29635106; internal data). In some individuals, the variant was inherited from an unaffected parent. It has also been observed to segregate with disease in related individuals. ClinVar contains an entry for this variant (Variation ID: 452471). Invitae Evidence Modeling of protein sequence and biophysical properties (such as structural, functional, and spatial information, amino acid conservation, physicochemical variation, residue mobility, and thermodynamic stability) indicates that this missense variant is not expected to disrupt SCN2A protein function with a negative predictive value of 95%. In summary, the available evidence is currently insufficient to determine the role of this variant in disease. Therefore, it has been classified as a Variant of Uncertain Significance.

New York Genome Center
Classification: Uncertain significance for Developmental and epileptic encephalopathy, 11. Last evaluated: 2020-07-10. Review status: criteria provided, single submitter. Criteria: NYGC Assertion Criteria 2020. Collection method: clinical testing. Allele origin: inherited. Observed: 1 heterozygote. Study: CSER-NYCKidSeq. Not counted in ClinVar's aggregate classification.
Comment: The inherited c.1399G>A (p.Ala467Thr) variant identified in the SCN2A gene substitutes a moderately conserved Alanine for Threonine at amino acid 467/2006 (exon 11/27). Threonine is present at this position in several smaller vertebrates including some species of bird and bat. This variant is found with low frequency in gnomAD(v3.0) (5 heterozygotes, 0 homozygotes; allele frequency: 3.49e-5) suggesting it is not a common benign variant in the populations represented in that database. In silico algorithms predict this variant to be Deleterious (Provean; score:-0.42) and Damaging (SIFT; score:0.363) to the function of the canonical transcript. The c.1399G>A (p.Ala467Thr) variant is reported in ClinVar as a Variant of Uncertain Significance (VarID:452471), and has been reported in one family with SCN2A-associated seizure disorder [PMID:29635106]. The p.Ala467 residue is not within a mapped domain of SCN2A (UniProtKB:Q99250). Given the lack of compelling evidence for its pathogenicity, the inherited c.1399G>A (p.Ala467Thr) variant identified in the SCN2A gene is reported as a Variant of Uncertain Significance.

Revvity Omics, Revvity
Classification: Uncertain significance. Last evaluated: 2019-12-09. Review status: criteria provided, single submitter. Criteria: ACMG Guidelines, 2015. Collection method: clinical testing. Allele origin: germline. Not counted in ClinVar's aggregate classification.

GeneDx
Classification: Likely benign. Last evaluated: 2019-03-26. Review status: criteria provided, single submitter. Criteria: GeneDx Variant Classification Process June 2021. Collection method: clinical testing. Allele origin: germline. Affected: yes. Not counted in ClinVar's aggregate classification.
Comment: This variant is associated with the following publications: (PMID: 29635106)

CeGaT Center for Human Genetics Tuebingen
Classification: Uncertain significance. Last evaluated: 2016-08-01. Review status: criteria provided, single submitter. Criteria: CeGaT Center For Human Genetics Tuebingen Variant Classification Criteria Version 2. Collection method: clinical testing. Allele origin: germline. Affected: yes. Observed: 1 variant allele. Not counted in ClinVar's aggregate classification.

Literature cited by the submitters: PubMed 29635106 (cited by Labcorp Genetics (formerly Invitae), Labcorp).